The following is an entry in ClinVar:

ClinVar aggregate classification (germline): Likely benign. Review status: criteria provided, multiple submitters, no conflicts (2 of 4 stars). 5 submissions from 5 submitters: Likely benign (5). Last evaluated 2026-05-01.

Allele frequency attached by ClinVar (database versions not stated): 1000 Genomes Project 30x 0.00031; 1000 Genomes Project 0.00040; gnomAD 0.00010 and 0.00011; TOPMed 0.00015; gnomAD exomes 0.00020; ExAC 0.00021.
gnomAD v4.1: 158 of 1,599,974 alleles (0.0099%); highest among the groups gnomAD compares: East Asian, 0.17%; no homozygotes.

Submissions (5):

CeGaT Center for Human Genetics Tuebingen
Classification: Likely benign. Last evaluated: 2026-05-01. Review status: criteria provided, single submitter. Criteria: CeGaT Center For Human Genetics Tuebingen Variant Classification Criteria Version 2. Collection method: clinical testing. Allele origin: germline. Affected: yes. Observed: 1 variant allele.
Comment: HGF: BP4, BP7

Labcorp Genetics (formerly Invitae), Labcorp
Classification: Likely benign. Last evaluated: 2024-10-24. Review status: criteria provided, single submitter. Criteria: Invitae Variant Classification Sherloc (09022015). Collection method: clinical testing. Allele origin: germline.

Blueprint Genetics
Classification: Likely benign. Last evaluated: 2024-10-23. Review status: criteria provided, single submitter. Criteria: ACMG Guidelines, 2015. Collection method: clinical testing. Allele origin: germline.

GeneDx
Classification: Likely benign. Last evaluated: 2019-01-15. Review status: criteria provided, single submitter. Criteria: GeneDx Variant Classification Process June 2021. Collection method: clinical testing. Allele origin: germline. Affected: yes.

Laboratory for Molecular Medicine, Mass General Brigham Personalized Medicine
Classification: Likely benign. Last evaluated: 2018-01-09. Review status: criteria provided, single submitter. Criteria: LMM Criteria. Collection method: clinical testing. Allele origin: germline. Observed: 1 variant allele.
Comment: p.Ala86Ala in exon 3 of HGF: This variant is not expected to have clinical signi ficance because it does not alter an amino acid residue and is not located withi n the splice consensus sequence. It has been identified in 0.25% (21/8518) of Ea st Asian chromosomes by the Exome Aggregation Consortium (ExAC; dbSNP rs370202240). 44/18832 of East Asian chromosomes by the Ge nome Aggregation Database (gnomAD).

NM_000601.6(HGF):c.258T>C (p.Ala86=)

Gene: HGF (hepatocyte growth factor; minus strand). Cytogenetic location: 7q21.11.
Variant type: single nucleotide variant.
Coding change: c.258T>C on transcript NM_000601.6 (MANE Select); coding-DNA position 258, T replaced by C.
Protein change: p.Ala86=; no amino-acid change (alanine 86 retained).
Molecular consequence: synonymous variant.
Genome position (GRCh38, 1-based): chr7:81,758,801, A>G on the plus strand (T>C on the coding strand, the complement: HGF is on the minus strand). VCF-style: chr7-81758801-A-G. GRCh37 (hg19) VCF-style: chr7-81388117-A-G.
Other names: c.258T>C, p.Ala86= (NM_001010931.3, NM_001010932.3, NM_001010933.3 and 1 more transcripts).
Identifiers: ClinVar variation 517567 (VCV000517567.19), dbSNP rs370202240, ClinGen allele CA4317239.
Genomic context (GRCh38, chr7:81,758,801, plus strand): 5'-ACTTGACATGCTATTGAAGGGGAACCAGAGGCATTGTTTTCTTGCTTTATCAAAAACAAA[A>G]GCCCTGAAAAAAATATCAGAATGAAAAGAAGAAATACTACTATTTATACAGTATTTAAAG-3'
Protein context (NP_000592.3, residues 76-96): RNKGLPFTCK[Ala86=]FVFDKARKQC